The following is an entry in ClinVar:

NM_031935.3(HMCN1):c.14430G>A (p.Met4810Ile)

Gene: HMCN1 (hemicentin 1; plus strand). Cytogenetic location: 1q31.1.
Variant type: single nucleotide variant.
Coding change: c.14430G>A on transcript NM_031935.3 (MANE Select); coding-DNA position 14430, G replaced by A.
Protein change: p.Met4810Ile; replaces methionine 4810 with isoleucine.
Molecular consequence: missense variant.
Genome position (GRCh38, 1-based): chr1:186,145,566, G>A. VCF-style: chr1-186145566-G-A. GRCh37 (hg19) VCF-style: chr1-186114698-G-A.
Other names: short protein forms M4810I.
Identifiers: ClinVar variation 4778970 (VCV004778970.1).

ClinVar aggregate classification (germline): Uncertain significance (1 of 4 stars; one submission).

gnomAD v4.1: 1 of 1,613,988 alleles (0.000062%); highest among the groups gnomAD compares: Admixed American, 0.0017%; no homozygotes.

Submission:

Labcorp Genetics (formerly Invitae), Labcorp
Classification: Uncertain significance. Last evaluated: 2025-04-22. Review status: criteria provided, single submitter. Criteria: Invitae Variant Classification Sherloc (09022015). Collection method: clinical testing. Allele origin: germline.
Comment: This sequence change replaces methionine, which is neutral and non-polar, with isoleucine, which is neutral and non-polar, at codon 4810 of the HMCN1 protein (p.Met4810Ile). This variant is present in population databases (no rsID available, gnomAD 0.003%). This variant has not been reported in the literature in individuals affected with HMCN1-related conditions. An algorithm developed to predict the effect of missense changes on protein structure and function outputs the following: PolyPhen-2: "Benign". The isoleucine amino acid residue is found in multiple mammalian species, which suggests that this missense change does not adversely affect protein function. In summary, the available evidence is currently insufficient to determine the role of this variant in disease. Therefore, it has been classified as a Variant of Uncertain Significance.